The following is an entry in ClinVar:

ClinVar aggregate classification (germline): Likely benign. Review status: criteria provided, multiple submitters, no conflicts (2 of 4 stars). 3 submissions from 3 submitters: Likely benign (2). 1 of the submissions does not count toward it. Last evaluated 2025-04-28.

Conditions:
PEX6-related disorder. Also called: PEX6-related disorders; PEX6-related condition.
Peroxisome biogenesis disorder. Identifiers: Orphanet 79189, MedGen C1832200, MONDO:0019234. Disease mechanism: loss of function.

Allele frequency attached by ClinVar (database versions not stated): gnomAD exomes 0.00001; TOPMed 0.00001; ExAC 0.00002; gnomAD 0.00003 and 0.00004; ESP Exome Variant Server 0.00008.
gnomAD v4.1: 27 of 1,614,096 alleles (0.0017%); highest among the groups gnomAD compares: African/African-American, 0.011%; no homozygotes.

Submissions (3):

Labcorp Genetics (formerly Invitae), Labcorp
Classification: Likely benign for Peroxisome biogenesis disorder. Last evaluated: 2025-04-28. Review status: criteria provided, single submitter. Criteria: Invitae Variant Classification Sherloc (09022015). Collection method: clinical testing. Allele origin: germline.

Blueprint Genetics
Classification: Likely benign. Last evaluated: 2023-08-29. Review status: criteria provided, single submitter. Criteria: ACMG Guidelines, 2015. Collection method: clinical testing. Allele origin: germline.

PreventionGenetics, part of Exact Sciences
Classification: Likely benign for PEX6-related condition. Last evaluated: 2023-08-24. Review status: no assertion criteria provided. Collection method: clinical testing. Allele origin: germline. Not counted in ClinVar's aggregate classification.
Comment: This variant is classified as likely benign based on ACMG/AMP sequence variant interpretation guidelines (Richards et al. 2015 PMID: 25741868, with internal and published modifications).

NM_000287.4(PEX6):c.690G>A (p.Glu230=)

Gene: PEX6 (peroxisomal biogenesis factor 6; minus strand). Cytogenetic location: 6p21.1.
Variant type: single nucleotide variant.
Coding change: c.690G>A on transcript NM_000287.4 (MANE Select); coding-DNA position 690, G replaced by A.
Protein change: p.Glu230=; no amino-acid change (glutamic acid 230 retained).
Molecular consequence: synonymous variant. On other transcripts: non-coding transcript variant (1), intron variant (1).
Genome position (GRCh38, 1-based): chr6:42,978,461, C>T on the plus strand (G>A on the coding strand, the complement: PEX6 is on the minus strand). VCF-style: chr6-42978461-C-T. GRCh37 (hg19) VCF-style: chr6-42946199-C-T.
Other names: c.618+72G>A (NM_001316313.2).
Identifiers: ClinVar variation 356804 (VCV000356804.15), dbSNP rs368341252, ClinGen allele CA3811585.